The following is an entry in ClinVar:

NM_000191.3(HMGCL):c.323C>T (p.Pro108Leu)

Gene: HMGCL (3-hydroxy-3-methylglutaryl-CoA lyase; minus strand). Cytogenetic location: 1p36.11.
Variant type: single nucleotide variant.
Coding change: c.323C>T on transcript NM_000191.3 (MANE Select); coding-DNA position 323, C replaced by T.
Protein change: p.Pro108Leu; replaces proline 108 with leucine.
Molecular consequence: missense variant.
Genome position (GRCh38, 1-based): chr1:23,816,700, G>A on the plus strand (C>T on the coding strand, the complement: HMGCL is on the minus strand). VCF-style: chr1-23816700-G-A. GRCh37 (hg19) VCF-style: chr1-24143190-G-A.
Other names: c.323C>T, p.Pro108Leu (NM_001166059.2); short protein forms P108L.
Identifiers: ClinVar variation 4847459 (VCV004847459.1).
Genomic context (GRCh38, chr1:23,816,700, plus strand): 5'-TTTCAGGAGCCCCCACCAACAAGCTATCCTCTTACCGCTGCCTCGAAGCCTTTCAAATTT[G>A]GGGTCAGGACTGGGTAGTTGATGCCAGGAAACTTCTGAATGCCCTTCAAGACTTCAGTGT-3'
Protein context (NP_000182.2, residues 98-118): FPGINYPVLT[Pro108Leu]NLKGFEAAVA

ClinVar aggregate classification (germline): Uncertain significance (1 of 4 stars; one submission).

gnomAD v4.1: 2 of 1,612,298 alleles (0.00012%); highest among the groups gnomAD compares: Non-Finnish European, 0.00017%; no homozygotes.

Submission:

Women's Health and Genetics/Laboratory Corporation of America, LabCorp
Classification: Uncertain significance. Last evaluated: 2026-03-05. Review status: criteria provided, single submitter. Criteria: LabCorp Variant Classification Summary - May 2015. Collection method: clinical testing. Allele origin: germline.
Comment: Variant summary: HMGCL c.323C>T (p.Pro108Leu) results in a non-conservative amino acid change in the encoded protein sequence. Algorithms developed to predict the effect of missense changes on protein structure and function all suggest that this variant is likely to be disruptive. The variant was absent in 251482 control chromosomes. c.323C>T has been observed in at least one individual affected with HMG-CoA Lyase Deficiency (example: Grunert_2017). These data indicate that the variant may be associated with disease. To our knowledge, no experimental evidence demonstrating an impact on protein function has been reported. The following publication has been ascertained in the context of this evaluation (PMID: 28583327). No submitters have cited clinical-significance assessments for this variant to ClinVar. Based on the evidence outlined above, the variant was classified as VUS-possibly pathogenic.

Literature cited by the submitters: PubMed 28583327.